The following is an entry in ClinVar:

ClinVar aggregate classification (germline): Uncertain significance (1 of 4 stars; one submission).

Conditions:
POLD1-related polyposis and colorectal cancer syndrome (CRCS10). Also called: Colorectal cancer, susceptibility to, 10; Colorectal cancer 10; COLORECTAL CANCER, SUSCEPTIBILITY TO, ON CHROMOSOME 19q. Identifiers: Orphanet 220460, MedGen C2675481, MONDO:0012953, OMIM 612591.

Submission:

Labcorp Genetics (formerly Invitae), Labcorp
Classification: Uncertain significance for POLD1-related polyposis and colorectal cancer syndrome. Last evaluated: 2018-10-24. Review status: criteria provided, single submitter. Criteria: Invitae Variant Classification Sherloc (09022015). Collection method: clinical testing. Allele origin: germline.
Comment: In summary, the available evidence is currently insufficient to determine the role of this variant in disease. Therefore, it has been classified as a Variant of Uncertain Significance. Experimental studies and prediction algorithms are not available for this variant, and the functional significance of the affected amino acid(s) is currently unknown. This variant has not been reported in the literature in individuals with POLD1-related disease. This variant is not present in population databases (ExAC no frequency). This variant, c.2890_2910del, results in the deletion of 7 amino acids of the POLD1 protein (p.Lys964_Phe970del), but otherwise preserves the integrity of the reading frame.

NM_002691.4(POLD1):c.2890_2910del (p.Lys964_Phe970del)

Gene: POLD1 (DNA polymerase delta 1, catalytic subunit; plus strand). Cytogenetic location: 19q13.33.
Variant type: Deletion.
Coding change: c.2890_2910del on transcript NM_002691.4 (MANE Select); coding-DNA positions 2890 to 2910, 21 bases deleted (AAGCCCCTCCTGCGCATCTTC).
Protein change: p.Lys964_Phe970del.
Molecular consequence: inframe deletion. On other transcripts: non-coding transcript variant (1).
Genome position (GRCh38, 1-based): chr19:50,416,465-50,416,485, AAGCCCCTCCTGCGCATCTTC deleted; deleting any 21 consecutive bases within chr19:50,416,464-50,416,485 gives the same sequence; the c. name uses the placement nearest the transcript's 3' end. VCF-style (leftmost placement, unchanged base first): chr19-50416463-CCAAGCCCCTCCTGCGCATCTT-C. GRCh37 (hg19) VCF-style: chr19-50919720-CCAAGCCCCTCCTGCGCATCTT-C.
Other names: c.2890_2910del, p.Lys964_Phe970del (NM_001256849.1); c.2968_2988del, p.Lys990_Phe996del (NM_001308632.1).
Identifiers: ClinVar variation 638999 (VCV000638999.8), dbSNP rs1601246458, ClinGen allele CA915951892.